The following is an entry in ClinVar:

ClinVar aggregate classification (germline): Uncertain significance (1 of 4 stars; one submission).

Conditions:
RPL5-related disorder. Also called: RPL5-related condition.

Submission:

PreventionGenetics, part of Exact Sciences
Classification: Uncertain significance for RPL5-related condition. Last evaluated: 2023-08-31. Review status: criteria provided, single submitter. Criteria: ACMG Guidelines, 2015. Collection method: clinical testing. Allele origin: germline.
Comment: The RPL5 c.73+4C>G variant is predicted to interfere with splicing. To our knowledge, this variant has not been reported in the literature or in a large population database, indicating this variant is rare. At this time, the clinical significance of this variant is uncertain due to the absence of conclusive functional and genetic evidence.

NM_000969.5(RPL5):c.73+4C>G

Genes: DIPK1A (divergent protein kinase domain 1A; minus strand), RPL5 (ribosomal protein L5; plus strand). Cytogenetic location: 1p22.1.
Variant type: single nucleotide variant.
Coding change: c.73+4C>G on transcript NM_000969.5 (MANE Select); 4 bases into the intron after coding-DNA position 73, C replaced by G.
Molecular consequence: intron variant.
Genome position (GRCh38, 1-based): chr1:92,833,462, C>G. VCF-style: chr1-92833462-C-G. GRCh37 (hg19) VCF-style: chr1-93299019-C-G.
Other names: c.475-428G>C (NM_001252273.2).
Identifiers: ClinVar variation 2631122 (VCV002631122.1), dbSNP rs761202801, ClinGen allele CA2695198058.